The following is an entry in ClinVar:

NM_001369.3(DNAH5):c.12415C>G (p.Pro4139Ala)

Gene: DNAH5 (dynein axonemal heavy chain 5; minus strand). Cytogenetic location: 5p15.2.
Variant type: single nucleotide variant.
Coding change: c.12415C>G on transcript NM_001369.3 (MANE Select); coding-DNA position 12415, C replaced by G.
Protein change: p.Pro4139Ala; replaces proline 4139 with alanine.
Molecular consequence: missense variant.
Genome position (GRCh38, 1-based): chr5:13,718,966, G>C on the plus strand (C>G on the coding strand, the complement: DNAH5 is on the minus strand). VCF-style: chr5-13718966-G-C. GRCh37 (hg19) VCF-style: chr5-13719075-G-C.
Other names: short protein forms P4139A.
Identifiers: ClinVar variation 1758373 (VCV001758373.2), dbSNP rs1490944946, ClinGen allele CA359210175.

ClinVar aggregate classification (germline): Uncertain significance (1 of 4 stars; one submission).

Conditions:
Primary ciliary dyskinesia. Also called: Ciliary dyskinesia. Identifiers: Orphanet 244, MedGen C0008780, MONDO:0016575, HP:0012265.

Allele frequency attached by ClinVar (database versions not stated): gnomAD exomes below 0.00001; TOPMed 0.00001.
gnomAD v4.1: 1 of 1,614,132 alleles (0.000062%); highest among the groups gnomAD compares: Admixed American, 0.0017%; no homozygotes.

Submission:

Ambry Genetics
Classification: Uncertain significance for Primary ciliary dyskinesia. Last evaluated: 2016-07-27. Review status: criteria provided, single submitter. Criteria: Ambry Variant Classification Scheme 2023. Collection method: clinical testing. Allele origin: germline.
Comment: The p.P4139A variant (also known as c.12415C>G), located in coding exon 72 of the DNAH5 gene, results from a C to G substitution at nucleotide position 12415. The proline at codon 4139 is replaced by alanine, an amino acid with highly similar properties. This variant was not reported in population based cohorts in the following databases: Database of Single Nucleotide Polymorphisms (dbSNP), NHLBI Exome Sequencing Project (ESP), and 1000 Genomes Project. In the ESP, this variant was not observed in 6503 samples (13006 alleles) with coverage at this position. This amino acid position is highly conserved in available vertebrate species. In addition, this alteration is predicted to be deleterious by in silico analysis. Since supporting evidence is limited at this time, the clinical significance of this variant remains unclear.